The following is an entry in ClinVar:

NM_024077.5(SECISBP2):c.2308C>T (p.Arg770Ter)

Gene: SECISBP2 (SECIS binding protein 2; plus strand). Cytogenetic location: 9q22.2.
Variant type: single nucleotide variant.
Coding change: c.2308C>T on transcript NM_024077.5 (MANE Select); coding-DNA position 2308, C replaced by T.
Protein change: p.Arg770Ter; replaces arginine 770 with a stop codon.
Molecular consequence: nonsense.
Genome position (GRCh38, 1-based): chr9:89,358,038, C>T. VCF-style: chr9-89358038-C-T. GRCh37 (hg19) VCF-style: chr9-91972953-C-T.
Other names: c.2305C>T, p.Arg769Ter (NM_001282688.2); c.2089C>T, p.Arg697Ter (NM_001282689.2); c.2104C>T, p.Arg702Ter (NM_001282690.1); c.2191C>T, p.Arg731Ter (NM_001354696.2); c.2194C>T, p.Arg732Ter (NM_001354697.2); c.2101C>T, p.Arg701Ter (NM_001354698.2); c.1423C>T, p.Arg475Ter (NM_001354702.2); short protein forms R475*, R697*, R701*, R702*, R731*, R732*, R769*, R770*.
Identifiers: ClinVar variation 1703052 (VCV001703052.3), dbSNP rs200450537, ClinGen allele CA195706947.
Genomic context (GRCh38, chr9:89,358,038, plus strand): 5'-GTGCTCTCACTTGTGCCCAAGGATCAGTTCCACAAGATGGTTGAGCTGACAGTGGCGGCC[C>T]GACAGGCGTACAAGACCATGCTGGAGAATGTGCAGCAGGAGCTGGTGGGAGAGCCCAGGC-3'

ClinVar aggregate classification (germline): Pathogenic (1 of 4 stars; one submission).

Conditions:
Thyroid hormone metabolism, abnormal 1 (THMA1). Also called: Short stature-delayed bone age due to thyroid hormone metabolism deficiency. Identifiers: Orphanet 171706, MedGen C5676891, MONDO:0800046, OMIM 609698.

gnomAD v4.1: 8 of 1,613,540 alleles (0.0005%); highest among the groups gnomAD compares: East Asian, 0.0067%; no homozygotes.

Submission:

Greenwood Genetic Center Diagnostic Laboratories, Greenwood Genetic Center
Classification: Pathogenic for Thyroid hormone metabolism, abnormal 1. Last evaluated: 2022-04-01. Review status: criteria provided, single submitter. Criteria: ACMG Guidelines, 2015. Collection method: clinical testing. Allele origin: germline. Affected: yes.
Comment: PVS1, PS3_Moderate, PM2, PM3